The following is an entry in ClinVar:

ClinVar aggregate classification (germline): Likely benign (1 of 4 stars; one submission).

Conditions:
Erythrocytosis, familial, 4 (ECYT4). Identifiers: Orphanet 247511, MedGen C2673187, MONDO:0012729, OMIM 611783.

Allele frequency attached by ClinVar (database versions not stated): 1000 Genomes Project 30x 0.00062; 1000 Genomes Project 0.00080; TOPMed 0.00166.

Submission:

Illumina Laboratory Services, Illumina
Classification: Likely benign for Erythrocytosis, familial, 4. Last evaluated: 2018-01-13. Review status: criteria provided, single submitter. Criteria: ICSL Variant Classification Criteria 13 December 2019. Collection method: clinical testing. Allele origin: germline.
Comment: This variant was observed in the ICSL laboratory as part of a predisposition screen in an ostensibly healthy population. It had not been previously curated by ICSL or reported in the Human Gene Mutation Database (HGMD: prior to June 1st, 2018), and was therefore a candidate for classification through an automated scoring system. Utilizing variant allele frequency, disease prevalence and penetrance estimates, and inheritance mode, an automated score was calculated to assess if this variant is too frequent to cause the disease. Based on the score and internal cut-off values, a variant classified as likely benign is not then subjected to further curation. The score for this variant resulted in a classification of likely benign for this disease.

NM_001430.5(EPAS1):c.*1373C>A

Gene: EPAS1 (endothelial PAS domain protein 1; plus strand). Cytogenetic location: 2p21.
Variant type: single nucleotide variant.
Coding change: c.*1373C>A on transcript NM_001430.5 (MANE Select); 1373 bases downstream of the stop codon, C replaced by A.
Molecular consequence: 3 prime UTR variant.
Genome position (GRCh38, 1-based): chr2:46,386,033, C>A. VCF-style: chr2-46386033-C-A. GRCh37 (hg19) VCF-style: chr2-46613172-C-A.
Identifiers: ClinVar variation 336316 (VCV000336316.5), dbSNP rs112031193, ClinGen allele CA10615376.